The following is an entry in ClinVar:

ClinVar aggregate classification (germline): Uncertain significance (1 of 4 stars; one submission).

Conditions:
Cardiomyopathy (CMYO). Also called: Cardiomyopathies. Identifiers: Orphanet 167848, MedGen C0878544, MONDO:0004994, HP:0001638. Inheritance: Various modes of inheritance.

Submission:

Color Diagnostics, LLC DBA Color Health
Classification: Uncertain significance for Cardiomyopathy. Last evaluated: 2022-08-15. Review status: criteria provided, single submitter. Criteria: ACMG Guidelines, 2015. Collection method: clinical testing. Allele origin: germline.
Comment: This variant causes an in-frame deletion of one amino acid, aspartic acid, at exon 8 in the highly conserved region of the myosin head domain of the MYH7 protein. To our knowledge, functional studies have not been reported for this variant. This variant has been reported in at least 2 individuals affected with left ventricular noncompaction (PMID: 18506004; Van Waning 2020, dissertation, Erasmus University Rotterdam). A different variant affecting the same codon, c.715G>A (p.Asp239Asn), is considered to be disease-causing (ClinVar variation ID: 43100), suggesting that aspartic acid at this position is important for the MYH7 protein function. This variant has not been identified in the general population by the Genome Aggregation Database (gnomAD). The available evidence is insufficient to determine the role of this variant in disease conclusively. Therefore, this variant is classified as a Variant of Uncertain Significance.

Literature cited by the submitters: PubMed 18506004.

NM_000257.4(MYH7):c.715_717del (p.Asp239del)

Gene: MYH7 (myosin heavy chain 7; minus strand). Cytogenetic location: 14q11.2.
Variant type: Deletion.
Coding change: c.715_717del on transcript NM_000257.4 (MANE Select); coding-DNA positions 715 to 717, 3 bases deleted (GAC; older notation c.715_717delGAC).
Protein change: p.Asp239del; deletes aspartic acid 239.
Molecular consequence: inframe deletion.
Genome position (GRCh38, 1-based): chr14:23,431,600-23,431,602, GTC deleted on the plus strand (GAC on the coding strand, the reverse complement: MYH7 is on the minus strand); deleting any 3 consecutive bases within chr14:23,431,600-23,431,604 gives the same sequence; the c. name uses the placement nearest the transcript's 3' end. VCF-style (leftmost placement, unchanged base first): chr14-23431599-TGTC-T. GRCh37 (hg19) VCF-style: chr14-23900808-TGTC-T.
Other names: c.715_717del, p.Asp239del (NM_001407004.1); short protein forms D239del.
Identifiers: ClinVar variation 2773968 (VCV002773968.2), dbSNP rs2502312741, ClinGen allele CA913184869.